The following is an entry in ClinVar:

ClinVar aggregate classification (germline): Likely pathogenic (1 of 4 stars; one submission).

Conditions:
Intellectual disability-microcephaly-strabismus-behavioral abnormalities syndrome. Also called: White-Sutton Syndrome. Identifiers: Orphanet 468678, MedGen C4225351, MONDO:0014606, OMIM 616364.

Submission:

Laboratorio de Genetica e Diagnostico Molecular, Hospital Israelita Albert Einstein
Classification: Likely pathogenic for Intellectual disability-microcephaly-strabismus-behavioral abnormalities syndrome. Last evaluated: 2022-01-25. Review status: criteria provided, single submitter. Criteria: ACMG Guidelines, 2015. Collection method: clinical testing. Allele origin: germline. Affected: yes.
Comment: ACMG classification criteria: PVS1 strong, PM2 moderate

NM_015100.4(POGZ):c.3361_3362del (p.Met1121fs)

Gene: POGZ (pogo transposable element derived with ZNF domain; minus strand). Cytogenetic location: 1q21.3.
Variant type: Deletion.
Coding change: c.3361_3362del on transcript NM_015100.4 (MANE Select); coding-DNA positions 3361 to 3362, 2 bases deleted (AT; older notation c.3361_3362delAT).
Protein change: p.Met1121fs; shifts the reading frame from methionine 1121.
Molecular consequence: frameshift variant.
Genome position (GRCh38, 1-based): chr1:151,405,673-151,405,674, AT deleted on the plus strand (AT on the coding strand, the reverse complement: POGZ is on the minus strand); deleting any 2 consecutive bases within chr1:151,405,673-151,405,675 gives the same sequence; the c. name uses the placement nearest the transcript's 3' end. VCF-style (leftmost placement, unchanged base first): chr1-151405672-CAT-C. GRCh37 (hg19) VCF-style: chr1-151378148-CAT-C.
Other names: c.3334_3335del, p.Met1112fs (NM_001194937.2); c.3175_3176del, p.Met1059fs (NM_001194938.2); c.3076_3077del, p.Met1026fs (NM_145796.4); c.3202_3203del, p.Met1068fs (NM_207171.2); short protein forms M1026fs, M1059fs, M1068fs, M1112fs, M1121fs.
Identifiers: ClinVar variation 1683672 (VCV001683672.2), dbSNP rs2102145038, ClinGen allele CA2573131138.